The following is an entry in ClinVar:

ClinVar aggregate classification (germline): Uncertain significance (1 of 4 stars; one submission).

Conditions:
Diffuse cerebral and cerebellar atrophy - intractable seizures - progressive microcephaly syndrome. Also called: Microcephaly, progressive, with seizures and cerebral and cerebellar atrophy. Identifiers: Orphanet 404437, MedGen C4014239, MONDO:0014335, OMIM 615760.

Allele frequency attached by ClinVar (database versions not stated): gnomAD exomes below 0.00001; TOPMed below 0.00001; ExAC 0.00001; gnomAD 0.00001.
gnomAD v4.1: 5 of 1,614,086 alleles (0.00031%); highest among the groups gnomAD compares: East Asian, 0.0022%; no homozygotes.

Submission:

Labcorp Genetics (formerly Invitae), Labcorp
Classification: Uncertain significance for Diffuse cerebral and cerebellar atrophy - intractable seizures - progressive microcephaly syndrome. Last evaluated: 2022-06-14. Review status: criteria provided, single submitter. Criteria: Invitae Variant Classification Sherloc (09022015). Collection method: clinical testing. Allele origin: germline.
Comment: This sequence change replaces isoleucine, which is neutral and non-polar, with valine, which is neutral and non-polar, at codon 578 of the QARS protein (p.Ile578Val). This variant is present in population databases (rs758929887, gnomAD 0.007%). This variant has not been reported in the literature in individuals affected with QARS-related conditions. ClinVar contains an entry for this variant (Variation ID: 850091). Algorithms developed to predict the effect of missense changes on protein structure and function output the following: SIFT: "Tolerated"; PolyPhen-2: "Benign"; Align-GVGD: "Class C0". The valine amino acid residue is found in multiple mammalian species, which suggests that this missense change does not adversely affect protein function. In summary, the available evidence is currently insufficient to determine the role of this variant in disease. Therefore, it has been classified as a Variant of Uncertain Significance.

NM_005051.3(QARS1):c.1732A>G (p.Ile578Val)

Gene: QARS1 (glutaminyl-tRNA synthetase 1; minus strand). Cytogenetic location: 3p21.31.
Variant type: single nucleotide variant.
Coding change: c.1732A>G on transcript NM_005051.3 (MANE Select); coding-DNA position 1732, A replaced by G.
Protein change: p.Ile578Val; replaces isoleucine 578 with valine.
Molecular consequence: missense variant. On other transcripts: non-coding transcript variant (1).
Genome position (GRCh38, 1-based): chr3:49,099,136, T>C on the plus strand (A>G on the coding strand, the complement: QARS1 is on the minus strand). VCF-style: chr3-49099136-T-C. GRCh37 (hg19) VCF-style: chr3-49136569-T-C.
Other names: c.1699A>G, p.Ile567Val (NM_001272073.2); short protein forms I567V, I578V.
Identifiers: ClinVar variation 850091 (VCV000850091.4), dbSNP rs758929887, ClinGen allele CA2391667.
Genomic context (GRCh38, chr3:49,099,136, plus strand): 5'-CACACATGTGACACACATGTTGAGGCAGGCCCACCTTGGCAGCAGGAAAGTTGGTGATGA[T>C]GACCCGTAGTGACTCCAGCACAGCCATGGCTCGTGGGGCTGTGTCATTCAGCACATCACG-3'
Protein context (NP_005042.1, residues 568-588): AMAVLESLRV[Ile578Val]ITNFPAAKSL